The following is an entry in ClinVar:

ClinVar aggregate classification (germline): Uncertain significance. Review status: criteria provided, multiple submitters, no conflicts (2 of 4 stars). 2 submissions from 2 submitters: Uncertain significance (2). Last evaluated 2022-06-28.

Conditions:
Infantile nephronophthisis (NPHP2). Also called: Nephronophthisis 2, infantile; Nephronophthisis 2. Identifiers: Orphanet 655, Orphanet 93591, MedGen C1865872, MONDO:0011190, OMIM 602088.
Nephronophthisis. Also called: Juvenile Nephronophthisis. Identifiers: Orphanet 655, MedGen C0687120, MONDO:0019005, HP:0000090.

Allele frequency attached by ClinVar (database versions not stated): gnomAD exomes below 0.00001; ExAC 0.00001; TOPMed 0.00001.

Submissions (2):

Labcorp Genetics (formerly Invitae), Labcorp
Classification: Uncertain significance for Nephronophthisis. Last evaluated: 2022-06-28. Review status: criteria provided, single submitter. Criteria: Invitae Variant Classification Sherloc (09022015). Collection method: clinical testing. Allele origin: germline.
Comment: This sequence change replaces methionine, which is neutral and non-polar, with threonine, which is neutral and polar, at codon 53 of the INVS protein (p.Met53Thr). This variant is present in population databases (rs748223529, gnomAD 0.0009%). This variant has not been reported in the literature in individuals affected with INVS-related conditions. Algorithms developed to predict the effect of missense changes on protein structure and function are either unavailable or do not agree on the potential impact of this missense change (SIFT: "Deleterious"; PolyPhen-2: "Possibly Damaging"; Align-GVGD: "Class C0"). In summary, the available evidence is currently insufficient to determine the role of this variant in disease. Therefore, it has been classified as a Variant of Uncertain Significance.

Fulgent Genetics
Classification: Uncertain significance for Infantile nephronophthisis. Last evaluated: 2021-07-22. Review status: criteria provided, single submitter. Criteria: ACMG Guidelines, 2015. Collection method: clinical testing. Allele origin: unknown.

NM_014425.5(INVS):c.158T>C (p.Met53Thr)

Gene: INVS (inversin; plus strand). Cytogenetic location: 9q31.1.
Variant type: single nucleotide variant.
Coding change: c.158T>C on transcript NM_014425.5 (MANE Select); coding-DNA position 158, T replaced by C.
Protein change: p.Met53Thr; replaces methionine 53 with threonine.
Molecular consequence: missense variant. On other transcripts: 5 prime UTR variant (2), non-coding transcript variant (1).
Genome position (GRCh38, 1-based): chr9:100,126,434, T>C. VCF-style: chr9-100126434-T-C. GRCh37 (hg19) VCF-style: chr9-102888716-T-C.
Other names: c.-219T>C (NM_001318381.2); c.-832T>C (NM_001318382.2); short protein forms M53T.
Identifiers: ClinVar variation 1495019 (VCV001495019.4), dbSNP rs748223529, ClinGen allele CA5158092.